The following is an entry in ClinVar:

ClinVar aggregate classification (germline): Benign/Likely benign. Review status: criteria provided, multiple submitters, no conflicts (2 of 4 stars). 21 submissions from 19 submitters: Benign (13); Likely benign (1). 7 of the submissions do not count toward it. Last evaluated 2026-02-04.

Conditions:
Idiopathic Pulmonary Fibrosis. Also called: Idiopathic fibrosing alveolitis, chronic form; idiopathic fibrosing alveolitis. Identifiers: Orphanet 2032, MedGen C1800706, MeSH D054990, MONDO:0800504.
Dyskeratosis congenita, autosomal dominant 2. Identifiers: MedGen C3151443, MONDO:0013521, OMIM 613989.
Pulmonary fibrosis and/or bone marrow failure, Telomere-related, 1. Also called: PULMONARY FIBROSIS AND/OR BONE MARROW FAILURE SYNDROME, TELOMERE-RELATED, 1. Identifiers: Orphanet 88, MedGen C3553617, MONDO:0013878, OMIM 614742.
Dyskeratosis congenita. Identifiers: Orphanet 1775, MedGen C0265965, MONDO:0015780.
Aplastic anemia. Identifiers: Orphanet 182040, Orphanet 88, MedGen C0002874, MONDO:0015909, OMIM 609135, HP:0001915.
Malignant tumor of breast. Also called: Cancer breast; Malignant breast neoplasm. Identifiers: MedGen C0006142, MONDO:0007254. Disease mechanism: loss of function.

Allele frequency attached by ClinVar (database versions not stated): 1000 Genomes Project 30x 0.00921; 1000 Genomes Project 0.00958; TOPMed 0.01679; ESP Exome Variant Server 0.02123; gnomAD 0.02211 and 0.02258; gnomAD exomes 0.02249 and 0.02781; ExAC 0.03611.
gnomAD v4.1: 43,173 of 1,592,140 alleles (2.7%); highest among the groups gnomAD compares: Non-Finnish European, 3%; 703 homozygotes.

Submissions (21):

Labcorp Genetics (formerly Invitae), Labcorp
Classification: Benign for Dyskeratosis congenita, autosomal dominant 2; Idiopathic Pulmonary Fibrosis. Last evaluated: 2026-02-04. Review status: criteria provided, single submitter. Criteria: Invitae Variant Classification Sherloc (09022015). Collection method: clinical testing. Allele origin: germline.

ARUP Laboratories, Molecular Genetics and Genomics, ARUP Laboratories
Classification: Benign. Last evaluated: 2025-06-12. Review status: criteria provided, single submitter. Criteria: ARUP Molecular Germline Variant Investigation Process 2024. Collection method: clinical testing. Allele origin: germline.

Blueprint Genetics
Classification: Likely benign. Last evaluated: 2024-11-26. Review status: criteria provided, single submitter. Criteria: ACMG Guidelines, 2015. Collection method: clinical testing. Allele origin: germline.

Molecular Genetics, Royal Melbourne Hospital
Classification: Benign for Dyskeratosis congenita, autosomal dominant 2. Last evaluated: 2023-05-04. Review status: criteria provided, single submitter. Criteria: ACMG Guidelines, 2015. Collection method: clinical testing. Allele origin: germline. Affected: yes.
Comment: European Non-Finnish population allele frequency is 2.81% (rs61748181, 1118/18984 alleles, 30 homozygotes in gnomAD v2.1). Based on the classification scheme RMH Modified ACMG/AMP Guidelines v1.5.1, this variant is classified as BENIGN. Following criteria are met: BA1

Mayo Clinic Laboratories, Mayo Clinic
Classification: Benign. Last evaluated: 2018-04-20. Review status: criteria provided, single submitter. Criteria: ACMG Guidelines, 2015. Collection method: clinical testing. Allele origin: germline. Observed: 37 variant alleles.

Illumina Laboratory Services, Illumina
Classification: Benign for Dyskeratosis congenita, autosomal dominant 2. Last evaluated: 2018-01-12. Review status: criteria provided, single submitter. Criteria: ICSL Variant Classification Criteria 13 December 2019. Collection method: clinical testing. Allele origin: germline.
Comment: This variant was observed in the ICSL laboratory as part of a predisposition screen in an ostensibly healthy population. It had not been previously curated by ICSL or reported in the Human Gene Mutation Database (HGMD: prior to June 1st, 2018), and was therefore a candidate for classification through an automated scoring system. Utilizing variant allele frequency, disease prevalence and penetrance estimates, and inheritance mode, an automated score was calculated to assess if this variant is too frequent to cause the disease. Based on the score and internal cut-off values, a variant classified as benign is not then subjected to further curation. The score for this variant resulted in a classification of benign for this disease.

Illumina Laboratory Services, Illumina
Classification: Benign for Pulmonary fibrosis and/or bone marrow failure, Telomere-related, 1. Last evaluated: 2018-01-12. Review status: criteria provided, single submitter. Criteria: ICSL Variant Classification Criteria 13 December 2019. Collection method: clinical testing. Allele origin: germline.
Comment: the same text as in the submission from Illumina Laboratory Services, Illumina above.

Illumina Laboratory Services, Illumina
Classification: Benign for Aplastic anemia. Last evaluated: 2018-01-12. Review status: criteria provided, single submitter. Criteria: ICSL Variant Classification Criteria 13 December 2019. Collection method: clinical testing. Allele origin: germline.
Comment: the same text as in the submission from Illumina Laboratory Services, Illumina above.

Eurofins Ntd Llc (ga)
Classification: Benign. Last evaluated: 2016-12-05. Review status: criteria provided, single submitter. Criteria: EGL Classification Definitions 2015. Collection method: clinical testing. Allele origin: germline. Observed: 1 variant allele, 1 heterozygote.

GeneDx
Classification: Benign. Last evaluated: 2015-03-03. Review status: criteria provided, single submitter. Criteria: GeneDx Variant Classification Process June 2021. Collection method: clinical testing. Allele origin: germline. Affected: yes.

Ambry Genetics
Classification: Benign for Dyskeratosis congenita. Last evaluated: 2014-12-24. Review status: criteria provided, single submitter. Criteria: Ambry Variant Classification Scheme 2023. Collection method: clinical testing. Allele origin: germline.

Laboratory for Molecular Medicine, Mass General Brigham Personalized Medicine
Classification: Benign. Last evaluated: 2013-02-21. Review status: criteria provided, single submitter. Criteria: LMM Criteria. Collection method: clinical testing. Allele origin: germline. Observed: 4 variant alleles.
Comment: Ala279Thr in exon 2 of TERT: This variant is not expected to have clinical signi ficance because it has been identified in 3.0% (255/8580) of European American c hromosomes from a broad population by the NHLBI Exome Sequencing Project (dbSNP rs61748181).

Breakthrough Genomics
Classification: Benign. Review status: criteria provided, single submitter. Criteria: ACMG Guidelines, 2015. Collection method: not provided. Allele origin: germline. Inheritance: Autosomal dominant inheritance. Affected: yes.

PreventionGenetics, part of Exact Sciences
Classification: Benign. Review status: criteria provided, single submitter. Criteria: ACMG Guidelines, 2015. Collection method: clinical testing. Allele origin: germline.

Center of Medical Genetics and Primary Health Care
Classification: Benign for Breast Cancer. Review status: no assertion criteria provided. Collection method: clinical testing. Allele origin: germline. Affected: yes. Not counted in ClinVar's aggregate classification.

Diagnostic Laboratory, Department of Genetics, University Medical Center Groningen
Classification: Benign. Review status: no assertion criteria provided. Collection method: clinical testing. Allele origin: germline. Affected: yes. Study: VKGL Data-share Consensus. Not counted in ClinVar's aggregate classification.

GeneReviews
No classification provided. Condition: Aplastic anemia. Review status: no classification provided. Collection method: literature only. Allele origin: unknown. Not counted in ClinVar's aggregate classification.

Genome Diagnostics Laboratory, Amsterdam University Medical Center
Classification: Benign. Review status: no assertion criteria provided. Collection method: clinical testing. Allele origin: germline. Affected: yes. Study: VKGL Data-share Consensus. Not counted in ClinVar's aggregate classification.

Genome Diagnostics Laboratory, University Medical Center Utrecht
Classification: Benign. Review status: no assertion criteria provided. Collection method: clinical testing. Allele origin: germline. Affected: yes. Study: VKGL Data-share Consensus. Not counted in ClinVar's aggregate classification.

Joint Genome Diagnostic Labs from Nijmegen and Maastricht, Radboudumc and MUMC+
Classification: Benign. Review status: no assertion criteria provided. Collection method: clinical testing. Allele origin: germline. Affected: yes. Study: VKGL Data-share Consensus. Not counted in ClinVar's aggregate classification.

Laboratory of Diagnostic Genome Analysis, Leiden University Medical Center (LUMC)
Classification: Benign. Review status: no assertion criteria provided. Collection method: clinical testing. Allele origin: germline. Affected: yes. Study: VKGL Data-share Consensus. Not counted in ClinVar's aggregate classification.

Literature cited by the submitters: PubMed 20301779 (cited by GeneReviews); NCBI Bookshelf NBK22301 (cited by GeneReviews).

NM_198253.3(TERT):c.835G>A (p.Ala279Thr)

Gene: TERT (telomerase reverse transcriptase; minus strand). Cytogenetic location: 5p15.33.
Variant type: single nucleotide variant.
Coding change: c.835G>A on transcript NM_198253.3 (MANE Select); coding-DNA position 835, G replaced by A.
Protein change: p.Ala279Thr; replaces alanine 279 with threonine.
Molecular consequence: missense variant. On other transcripts: non-coding transcript variant (2).
Genome position (GRCh38, 1-based): chr5:1,294,051, C>T on the plus strand (G>A on the coding strand, the complement: TERT is on the minus strand). VCF-style: chr5-1294051-C-T. GRCh37 (hg19) VCF-style: chr5-1294166-C-T.
Other names: c.835G>A, p.Ala279Thr (NM_001193376.3); short protein forms A279T.
Identifiers: ClinVar variation 39125 (VCV000039125.45), dbSNP rs61748181, ClinGen allele CA201741.